The following is an entry in ClinVar:

ClinVar aggregate classification (germline): Uncertain significance (1 of 4 stars; one submission).

Conditions:
Myopathy, proximal, and ophthalmoplegia (CMYO6). Also called: INCLUSION BODY MYOPATHY 3, AUTOSOMAL DOMINANT; CONGENITAL MYOPATHY 6 WITH OPHTHALMOPLEGIA; MYOPATHY WITH CONGENITAL JOINT CONTRACTURES, OPHTHALMOPLEGIA, AND RIMMED VACUOLES. Identifiers: Orphanet 363677, Orphanet 79091, MedGen C1854106, MONDO:0011577, OMIM 605637.

Submission:

Labcorp Genetics (formerly Invitae), Labcorp
Classification: Uncertain significance for Myopathy, proximal, and ophthalmoplegia. Last evaluated: 2026-01-12. Review status: criteria provided, single submitter. Criteria: Invitae Variant Classification Sherloc (09022015). Collection method: clinical testing. Allele origin: germline.
Comment: This sequence change replaces serine, which is neutral and polar, with phenylalanine, which is neutral and non-polar, at codon 826 of the MYH2 protein (p.Ser826Phe). This variant is not present in population databases (gnomAD no frequency). This variant has not been reported in the literature in individuals affected with MYH2-related conditions. Invitae Evidence Modeling of protein sequence and biophysical properties (such as structural, functional, and spatial information, amino acid conservation, physicochemical variation, residue mobility, and thermodynamic stability) indicates that this missense variant is expected to disrupt MYH2 protein function with a positive predictive value of 80%. In summary, the available evidence is currently insufficient to determine the role of this variant in disease. Therefore, it has been classified as a Variant of Uncertain Significance.

NM_017534.6(MYH2):c.2477C>T (p.Ser826Phe)

Genes: MYH2 (myosin heavy chain 2; minus strand), MYHAS (myosin heavy chain gene cluster antisense RNA; plus strand). Cytogenetic location: 17p13.1.
Variant type: single nucleotide variant.
Coding change: c.2477C>T on transcript NM_017534.6 (MANE Select); coding-DNA position 2477, C replaced by T.
Protein change: p.Ser826Phe; replaces serine 826 with phenylalanine.
Molecular consequence: missense variant.
Genome position (GRCh38, 1-based): chr17:10,531,853, G>A on the plus strand (C>T on the coding strand, the complement: MYH2 is on the minus strand). VCF-style: chr17-10531853-G-A. GRCh37 (hg19) VCF-style: chr17-10435170-G-A.
Other names: c.2477C>T, p.Ser826Phe (NM_001100112.2); short protein forms S826F.
Identifiers: ClinVar variation 4744018 (VCV004744018.1).